The following is an entry in ClinVar:

NM_000179.3(MSH6):c.40T>A (p.Ser14Thr)

Gene: MSH6 (mutS homolog 6; plus strand). Cytogenetic location: 2p16.3.
Variant type: single nucleotide variant.
Coding change: c.40T>A on transcript NM_000179.3 (MANE Select); coding-DNA position 40, T replaced by A.
Protein change: p.Ser14Thr; replaces serine 14 with threonine.
Molecular consequence: missense variant. On other transcripts: 5 prime UTR variant (1).
Genome position (GRCh38, 1-based): chr2:47,783,273, T>A. VCF-style: chr2-47783273-T-A. GRCh37 (hg19) VCF-style: chr2-48010412-T-A.
Other names: c.-955T>A (NM_001406814.1); c.-500T>A (NM_001406816.1); c.40T>A, p.Ser14Thr (NM_001406817.1, NM_001407362.1, NM_001281492.2 and 9 more transcripts); c.-697T>A (NM_001281493.2, NM_001406811.1); c.-289T>A (NM_001406799.1); c.-16T>A (NM_001406804.1); c.-889T>A (NM_001406807.1); c.-544T>A (NM_001406812.1); short protein forms S14T.
Identifiers: ClinVar variation 1737846 (VCV001737846.3), dbSNP rs876660417, ClinGen allele CA346734532.

ClinVar aggregate classification (germline): Uncertain significance. Review status: criteria provided, multiple submitters, no conflicts (2 of 4 stars). 2 submissions from 2 submitters: Uncertain significance (2). Last evaluated 2022-08-09.

Conditions:
Hereditary cancer-predisposing syndrome. Also called: Neoplastic Syndromes, Hereditary; Tumor predisposition; Hereditary Cancer Syndrome; Hereditary neoplastic syndrome. Identifiers: Orphanet 140162, MedGen C0027672, MeSH D009386, MONDO:0015356.

Submissions (2):

GeneDx
Classification: Uncertain significance. Last evaluated: 2022-08-09. Review status: criteria provided, single submitter. Criteria: GeneDx Variant Classification Process June 2021. Collection method: clinical testing. Allele origin: germline. Affected: yes.
Comment: Not observed at significant frequency in large population cohorts (gnomAD); In silico analysis supports that this missense variant does not alter protein structure/function; Has not been previously published as pathogenic or benign to our knowledge

Ambry Genetics
Classification: Uncertain significance for Hereditary cancer-predisposing syndrome. Last evaluated: 2022-02-07. Review status: criteria provided, single submitter. Criteria: Ambry Variant Classification Scheme 2023. Collection method: clinical testing. Allele origin: germline.
Comment: The p.S14T variant (also known as c.40T>A), located in coding exon 1 of the MSH6 gene, results from a T to A substitution at nucleotide position 40. The serine at codon 14 is replaced by threonine, an amino acid with similar properties. This amino acid position is conserved. In addition, this alteration is predicted to be tolerated by in silico analysis. Since supporting evidence is limited at this time, the clinical significance of this alteration remains unclear.